The following is an entry in ClinVar:

NM_000256.3(MYBPC3):c.1484G>T (p.Arg495Leu)

Gene: MYBPC3 (myosin binding protein C3; minus strand). Cytogenetic location: 11p11.2.
Variant type: single nucleotide variant.
Coding change: c.1484G>T on transcript NM_000256.3 (MANE Select); coding-DNA position 1484, G replaced by T.
Protein change: p.Arg495Leu; replaces arginine 495 with leucine.
Molecular consequence: missense variant.
Genome position (GRCh38, 1-based): chr11:47,342,718, C>A on the plus strand (G>T on the coding strand, the complement: MYBPC3 is on the minus strand). VCF-style: chr11-47342718-C-A. GRCh37 (hg19) VCF-style: chr11-47364269-C-A.
Other names: short protein forms R495L.
Identifiers: ClinVar variation 915779 (VCV000915779.4), dbSNP rs200411226, ClinGen allele CA380325264.

ClinVar aggregate classification (germline): Conflicting classifications of pathogenicity. Review status: criteria provided, conflicting classifications (1 of 4 stars). 3 submissions from 3 submitters: Likely pathogenic (1); Uncertain significance (2). Last evaluated 2025-12-19.

Conditions:
Cardiomyopathy (CMYO). Also called: Cardiomyopathies. Identifiers: Orphanet 167848, MedGen C0878544, MONDO:0004994, HP:0001638. Inheritance: Various modes of inheritance.
Hypertrophic cardiomyopathy. Also called: HYPERTROPHIC MYOCARDIOPATHY. Identifiers: Orphanet 217569, MedGen C0007194, MeSH D002312, MONDO:0005045, HP:0001639.

Submissions (3):

Labcorp Genetics (formerly Invitae), Labcorp
Classification: Uncertain significance for Hypertrophic cardiomyopathy. Last evaluated: 2025-12-19. Review status: criteria provided, single submitter. Criteria: Invitae Variant Classification Sherloc (09022015). Collection method: clinical testing. Allele origin: germline.
Comment: This sequence change replaces arginine, which is basic and polar, with leucine, which is neutral and non-polar, at codon 495 of the MYBPC3 protein (p.Arg495Leu). This variant is not present in population databases (gnomAD no frequency). This variant has not been reported in the literature in individuals affected with MYBPC3-related conditions. ClinVar contains an entry for this variant (Variation ID: 915779). An algorithm developed to predict the effect of missense changes on protein structure and function (PolyPhen-2) suggests that this variant is likely to be disruptive. This variant disrupts the p.Arg495 amino acid residue in MYBPC3. Other variant(s) that disrupt this residue have been determined to be pathogenic (PMID: 9562578, 19150014, 20433692, 22765922, 23396983, 26671970). This suggests that this residue is clinically significant, and that variants that disrupt this residue are likely to be disease-causing. In summary, the available evidence is currently insufficient to determine the role of this variant in disease. Therefore, it has been classified as a Variant of Uncertain Significance.

GeneDx
Classification: Uncertain significance. Last evaluated: 2023-05-02. Review status: criteria provided, single submitter. Criteria: GeneDx Variant Classification Process June 2021. Collection method: clinical testing. Allele origin: germline. Affected: yes.
Comment: Has not been previously published as pathogenic or benign to our knowledge; Not observed at significant frequency in large population cohorts (gnomAD); In silico analysis supports that this missense variant has a deleterious effect on protein structure/function

CHEO Genetics Diagnostic Laboratory, Children's Hospital of Eastern Ontario
Classification: Likely pathogenic for Cardiomyopathy. Last evaluated: 2018-09-13. Review status: criteria provided, single submitter. Criteria: ACMG Guidelines, 2015. Collection method: clinical testing. Allele origin: germline.

Literature cited by the submitters: PubMed 9562578 (cited by Labcorp Genetics (formerly Invitae), Labcorp); PubMed 19150014 (cited by Labcorp Genetics (formerly Invitae), Labcorp); PubMed 20433692 (cited by Labcorp Genetics (formerly Invitae), Labcorp); PubMed 22765922 (cited by Labcorp Genetics (formerly Invitae), Labcorp); PubMed 23396983 (cited by Labcorp Genetics (formerly Invitae), Labcorp); PubMed 26671970 (cited by Labcorp Genetics (formerly Invitae), Labcorp).